The following is an entry in ClinVar:

ClinVar aggregate classification (germline): Conflicting classifications of pathogenicity. Review status: criteria provided, conflicting classifications (1 of 4 stars). 3 submissions from 3 submitters: Uncertain significance (1); Likely benign (2). Last evaluated 2026-06-30.

Conditions:
KARS1-related disorder. Also called: KARS1-related disorders.

Submissions (3):

PreventionGenetics, part of Exact Sciences
Classification: Likely benign for KARS1-related condition. Last evaluated: 2026-06-30. Review status: criteria provided, single submitter. Criteria: ACMG Guidelines, 2015. Collection method: clinical testing. Allele origin: germline.
Comment: This variant is classified as likely benign based on ACMG/AMP sequence variant interpretation guidelines (Richards et al. 2015 PMID: 25741868, with internal and published modifications).

ARUP Laboratories, Molecular Genetics and Genomics, ARUP Laboratories
Classification: Uncertain significance. Last evaluated: 2024-11-26. Review status: criteria provided, single submitter. Criteria: ARUP Molecular Germline Variant Investigation Process 2024. Collection method: clinical testing. Allele origin: germline.
Comment: The KARS1 c.1000-5_1000-3del variant (rs768560192), to our knowledge, is not reported in the medical literature but is reported in ClinVar (Variation ID: 1682429). This variant is found in the general population with an overall allele frequency of 0.0064% (16/251370 alleles) in the Genome Aggregation Database (v2.1.1). This is an intronic variant and computational analyses (Alamut Visual Plus v.1.5.1) predict that this variant may impact splicing by weakening the nearby canonical acceptor splice site. Due to limited information, the clinical significance of this variant is uncertain at this time.

Labcorp Genetics (formerly Invitae), Labcorp
Classification: Likely benign. Last evaluated: 2023-05-08. Review status: criteria provided, single submitter. Criteria: Invitae Variant Classification Sherloc (09022015). Collection method: clinical testing. Allele origin: germline.

NM_005548.3(KARS1):c.916-11GTT[2]

Gene: KARS1 (lysyl-tRNA synthetase 1; minus strand). Cytogenetic location: 16q23.1.
Variant type: Microsatellite.
Coding change: c.916-11GTT[2] on transcript NM_005548.3 (MANE Select); two copies in a row of the 3-base unit GTT starting at c.916-11; the reference has three copies in a row; one copy, 3 bases deleted.
Molecular consequence: intron variant.
Genome position (GRCh38, 1-based): chr16:75,631,858-75,631,860, AAC deleted on the plus strand (GTT on the coding strand, the reverse complement: KARS1 is on the minus strand); deleting any 3 consecutive bases within chr16:75,631,858-75,631,867 gives the same sequence; the position shown is the placement nearest the transcript's 3' end. VCF-style (leftmost placement, unchanged base first): chr16-75631857-TAAC-T. GRCh37 (hg19) VCF-style: chr16-75665755-TAAC-T.
Other names: c.1000-11GTT[2] (NM_001130089.2); c.448-11GTT[2] (NM_001378148.1); c.1000-5_1000-3delGTT (NM_001130089.1).
Identifiers: ClinVar variation 1682429 (VCV001682429.8), dbSNP rs768560192, ClinGen allele CA8177431.